The following is an entry in ClinVar:

NC_000006.12:g.(?_65332314)_(65335156_?)del

Gene: EYS (eyes shut homolog; minus strand). Cytogenetic location: 6q12.
Variant type: Deletion.
Identifiers: ClinVar variation 830939 (VCV000830939.6).

ClinVar aggregate classification (germline): Pathogenic (1 of 4 stars; one submission).

Submission:

Labcorp Genetics (formerly Invitae), Labcorp
Classification: Pathogenic. Last evaluated: 2022-09-26. Review status: criteria provided, single submitter. Criteria: Invitae Variant Classification Sherloc (09022015). Collection method: clinical testing. Allele origin: germline.
Comment: For these reasons, this variant has been classified as Pathogenic. This variant has not been reported in the literature in individuals affected with EYS-related conditions. This variant is a gross deletion of the genomic region encompassing exon(s) 11 of the EYS gene. This deletion is out-of-frame, and is expected to create a premature termination codon and result in an absent or disrupted protein product. Loss-of-function variants in EYS are known to be pathogenic (PMID: 18836446, 20333770).

Literature cited by the submitters: PubMed 18836446; PubMed 20333770.